The following is an entry in ClinVar:

NM_000352.6(ABCC8):c.2731G>C (p.Gly911Arg)

Gene: ABCC8 (ATP binding cassette subfamily C member 8; minus strand). Cytogenetic location: 11p15.1.
Variant type: single nucleotide variant.
Coding change: c.2731G>C on transcript NM_000352.6 (MANE Select); coding-DNA position 2731, G replaced by C.
Protein change: p.Gly911Arg; replaces glycine 911 with arginine.
Molecular consequence: missense variant. On other transcripts: non-coding transcript variant (1).
Genome position (GRCh38, 1-based): chr11:17,408,481, C>G on the plus strand (G>C on the coding strand, the complement: ABCC8 is on the minus strand). VCF-style: chr11-17408481-C-G. GRCh37 (hg19) VCF-style: chr11-17430028-C-G.
Other names: c.2734G>C, p.Gly912Arg (NM_001287174.3); c.2797G>C, p.Gly933Arg (NM_001351295.2); c.2731G>C, p.Gly911Arg (NM_001351296.2); c.2728G>C, p.Gly910Arg (NM_001351297.2); c.2731G>C (NM_000352.4); short protein forms G910R, G911R, G912R, G933R.
Identifiers: ClinVar variation 3629883 (VCV003629883.2).
Genomic context (GRCh38, chr11:17,408,481, plus strand): 5'-TGAGGGTCTTCCAGTGCTCAAAGAGCTGGCATTCAGACCTCTGGAAGTCCTTGAGGGTAC[C>G]CTCCCTCTGGATGGTGCCATCCTTCATGGCAATGATCTGGAAAGGCAGCAACAAACGTGG-3'
Protein context (NP_000343.2, residues 901-921): AMKDGTIQRE[Gly911Arg]TLKDFQRSEC

ClinVar aggregate classification (germline): Likely pathogenic. Review status: criteria provided, multiple submitters, no conflicts (2 of 4 stars). 2 submissions from 2 submitters: Likely pathogenic (2). Last evaluated 2025-08-08.

Conditions:
Hereditary hyperinsulinism.
Familial hyperinsulinism. Also called: Congenital hyperinsulinism. Identifiers: Orphanet 276525, MedGen C3888018, MONDO:0017182. Disease mechanism: loss of function.

gnomAD v4.1: 1 of 1,613,606 alleles (0.000062%); highest among the groups gnomAD compares: Non-Finnish European, 0.000085%; no homozygotes.

Submissions (2):

Natera, Inc.
Classification: Likely pathogenic for Hereditary hyperinsulinism. Last evaluated: 2025-08-08. Review status: criteria provided, single submitter. Criteria: Natera Variant Classification Schema (03/2026). Collection method: clinical testing. Allele origin: germline.
Comment: The c.2731G>C variant in ABCC8 is a missense variant predicted to cause substitution of glycine to arginine at amino acid 911. This variant is rare in the general population with a frequency below the threshold expected for the associated phenotype(s). This variant has been observed in one or more individuals affected with the associated recessive disease, as either homozygous or compound heterozygous with a second variant (PMID: 33410562). Functional studies show that this variant may disrupt protein function (PMID: 33410562). Computational prediction algorithms indicate this variant is likely to affect gene or protein function. Given the available evidence, this variant is classified as Likely Pathogenic.

Women's Health and Genetics/Laboratory Corporation of America, LabCorp
Classification: Likely pathogenic for Familial hyperinsulinism. Last evaluated: 2024-11-01. Review status: criteria provided, single submitter. Criteria: LabCorp Variant Classification Summary - May 2015. Collection method: clinical testing. Allele origin: germline.
Comment: Variant summary: ABCC8 c.2731G>C (p.Gly911Arg) results in a non-conservative amino acid change located in the ABC transporter-like, ATP-binding domain (IPR003439) of the encoded protein sequence. Five of five in-silico tools predict a damaging effect of the variant on protein function. The frequency data for this variant in gnomAD is considered unreliable, as metrics indicate poor data quality at this position. c.2731G>C also known as c.2734G>C, p.Gly912Arg has been reported in the literature in at least one compound heterozygous individual affected with congenital hyperinsulinism (example: Saint-Martin_2021). At least one publication reports experimental evidence evaluating an impact on protein function. The most pronounced variant effect results did not produce mature glycosylated protein nor any channel activity (example: Saint-Martin_2021). The following publication has been ascertained in the context of this evaluation (PMID: 33410562 ). No submitters have cited clinical-significance assessments for this variant to ClinVar. Based on the evidence outlined above, the variant was classified as likely pathogenic.

Literature cited by the submitters: PubMed 33410562 (cited by Natera, Inc. and Women's Health and Genetics/Laboratory Corporation of America, LabCorp).